The following is an entry in ClinVar:

NM_022455.5(NSD1):c.3968_3969dup (p.Ser1324fs)

Gene: NSD1 (nuclear receptor binding SET domain protein 1; plus strand). Cytogenetic location: 5q35.3.
Variant type: Duplication.
Coding change: c.3968_3969dup on transcript NM_022455.5 (MANE Select); coding-DNA positions 3968 to 3969, 2 bases duplicated (CT; older notation c.3968_3969dupCT).
Protein change: p.Ser1324fs; shifts the reading frame from serine 1324.
Molecular consequence: frameshift variant.
Genome position (GRCh38, 1-based): chr5:177,238,283-177,238,284, CT duplicated; duplicating any 2 consecutive bases within chr5:177,238,282-177,238,284 gives the same sequence; the c. name uses the placement nearest the transcript's 3' end. VCF-style (leftmost placement, unchanged base first): chr5-177238281-A-ATC. GRCh37 (hg19) VCF-style: chr5-176665282-A-ATC.
Other names: c.3968_3969dupCT (NM_022455.4); c.3095_3096dup, p.Ser1033Leufs (NM_001365684.2, NM_001409306.1, NM_001409307.1 and 3 more transcripts); c.3968_3969dup, p.Ser1324Leufs (NM_001409301.1, NM_001409302.1, NM_001409303.1); c.3548_3549dup, p.Ser1184Leufs (NM_001409304.1); c.3215_3216dup, p.Ser1073Leufs (NM_001409305.1); short protein forms S1055fs, S1324fs.
Identifiers: ClinVar variation 454050 (VCV000454050.6), dbSNP rs1554195840, ClinGen allele CA658655909.

ClinVar aggregate classification (germline): Pathogenic. Review status: criteria provided, single submitter (1 of 4 stars). 2 submissions from 1 submitter: Pathogenic (2). Last evaluated 2017-03-03.

Conditions:
Sotos syndrome (SOTOS). Also called: CEREBRAL GIGANTISM; Sotos' syndrome; Distinctive facial appearance, overgrowth in childhood, and learning disabilities or delayed development; CHROMOSOME 5q35 DELETION SYNDROME; SOTOS SYNDROME 1. Identifiers: Orphanet 821, MedGen C0175695, MONDO:0019349, OMIM 117550.
Beckwith-Wiedemann syndrome (BWS). Also called: Exomphalos macroglossia gigantism syndrome; EMG SYNDROME. Identifiers: Orphanet 116, MedGen C0004903, MONDO:0007534, OMIM 130650.

Submissions (2):

Labcorp Genetics (formerly Invitae), Labcorp
Classification: Pathogenic for Beckwith-Wiedemann syndrome. Last evaluated: 2017-03-03. Review status: criteria provided, single submitter. Criteria: Invitae Variant Classification Sherloc (09022015). Collection method: clinical testing. Allele origin: germline.
Comment: This sequence change inserts 2 nucleotides in exon 7 of the NSD1 mRNA (c.3968_3969dupCT), causing a frameshift at codon 1324. This creates a premature translational stop signal (p.Ser1324Leufs*13) and is expected to result in an absent or disrupted protein product. While this particular variant has not been reported in the literature, loss-of-function variants in NSD1 are known to be pathogenic (PMID: 12807965, 15942875, 17565729). For these reasons, this variant has been classified as Pathogenic.

Labcorp Genetics (formerly Invitae), Labcorp
Classification: Pathogenic. Last evaluated: 2017-02-21. Review status: criteria provided, single submitter. Criteria: Invitae Variant Classification Sherloc (09022015). Collection method: clinical testing. Allele origin: germline.
Comment: the same text as in the submission from Labcorp Genetics (formerly Invitae), Labcorp above.

Literature cited by the submitters: PubMed 12807965; PubMed 15942875; PubMed 17565729.